The following is an entry in ClinVar:

ClinVar aggregate classification (germline): Uncertain significance (1 of 4 stars; one submission).

Submission:

Labcorp Genetics (formerly Invitae), Labcorp
Classification: Uncertain significance. Last evaluated: 2023-07-06. Review status: criteria provided, single submitter. Criteria: Invitae Variant Classification Sherloc (09022015). Collection method: clinical testing. Allele origin: germline.
Comment: This variant has not been reported in the literature in individuals affected with DIP2C-related conditions. This variant is not present in population databases (gnomAD no frequency). This sequence change replaces glycine, which is neutral and non-polar, with arginine, which is basic and polar, at codon 764 of the DIP2C protein (p.Gly764Arg). In summary, the available evidence is currently insufficient to determine the role of this variant in disease. Therefore, it has been classified as a Variant of Uncertain Significance. An algorithm developed to predict the effect of missense changes on protein structure and function (PolyPhen-2) suggests that this variant is likely to be disruptive.

NM_014974.3(DIP2C):c.2290G>C (p.Gly764Arg)

Genes: DIP2C (DIP2 acetate--CoA ligase C (putative); minus strand), LOC126860806 (MED14-independent group 3 enhancer GRCh37_chr10:409736-410935; plus strand). Cytogenetic location: 10p15.3.
Variant type: single nucleotide variant.
Coding change: c.2290G>C on transcript NM_014974.3 (MANE Select); coding-DNA position 2290, G replaced by C.
Protein change: p.Gly764Arg; replaces glycine 764 with arginine.
Molecular consequence: missense variant.
Genome position (GRCh38, 1-based): chr10:364,561, C>G on the plus strand (G>C on the coding strand, the complement: DIP2C is on the minus strand). VCF-style: chr10-364561-C-G. GRCh37 (hg19) VCF-style: chr10-410501-C-G.
Other names: short protein forms G764R.
Identifiers: ClinVar variation 2731392 (VCV002731392.3), dbSNP rs188555552, ClinGen allele CA375833687.
Genomic context (GRCh38, chr10:364,561, plus strand): 5'-CGGGACCCACGAACCCCAGCAAGCCTGTCCTTATGAATGGGTATTCACTGATCGGAGCCC[C>G]GGAGCTTGTCATGGGAAACACCTGGGGGAAACAGCATCCATCAGGCCACTGTTCATGTGG-3'
Protein context (NP_055789.1, residues 754-774): TFEVFPMTSS[Gly764Arg]APISEYPFIR